The following is an entry in ClinVar:

ClinVar aggregate classification (germline): Benign/Likely benign. Review status: criteria provided, multiple submitters, no conflicts (2 of 4 stars). 3 submissions from 3 submitters: Benign (2); Likely benign (1). Last evaluated 2026-07-31.

Conditions:
SKIC3-related disorder. Also called: SKIC3-related condition.

Allele frequency attached by ClinVar (database versions not stated): gnomAD 0.00041; TOPMed 0.00070; 1000 Genomes Project 0.00379; 1000 Genomes Project 30x 0.00406.
gnomAD v4.1: 323 of 1,613,230 alleles (0.02%); highest among the groups gnomAD compares: East Asian, 0.61%; no homozygotes.

Submissions (3):

PreventionGenetics, part of Exact Sciences
Classification: Benign for SKIC3-related condition. Last evaluated: 2026-07-31. Review status: criteria provided, single submitter. Criteria: ACMG Guidelines, 2015. Collection method: clinical testing. Allele origin: germline.
Comment: This variant is classified as benign based on ACMG/AMP sequence variant interpretation guidelines (Richards et al. 2015 PMID: 25741868, with internal and published modifications).

Labcorp Genetics (formerly Invitae), Labcorp
Classification: Likely benign. Last evaluated: 2026-02-04. Review status: criteria provided, single submitter. Criteria: Invitae Variant Classification Sherloc (09022015). Collection method: clinical testing. Allele origin: germline.

Eurofins Ntd Llc (ga)
Classification: Benign. Last evaluated: 2016-09-27. Review status: criteria provided, single submitter. Criteria: EGL Classification Definitions 2015. Collection method: clinical testing. Allele origin: germline. Observed: 1 variant allele, 1 heterozygote.

NM_014639.4(SKIC3):c.3079G>A (p.Gly1027Ser)

Gene: SKIC3 (SKI3 subunit of superkiller complex; minus strand). Cytogenetic location: 5q15.
Variant type: single nucleotide variant.
Coding change: c.3079G>A on transcript NM_014639.4 (MANE Select); coding-DNA position 3079, G replaced by A.
Protein change: p.Gly1027Ser; replaces glycine 1027 with serine.
Molecular consequence: missense variant.
Genome position (GRCh38, 1-based): chr5:95,506,947, C>T on the plus strand (G>A on the coding strand, the complement: SKIC3 is on the minus strand). VCF-style: chr5-95506947-C-T. GRCh37 (hg19) VCF-style: chr5-94842651-C-T.
Other names: short protein forms G1027S.
Identifiers: ClinVar variation 497259 (VCV000497259.15), dbSNP rs188952987, ClinGen allele CA3346853.